The following is an entry in ClinVar:

ClinVar aggregate classification (germline): Conflicting classifications of pathogenicity. Review status: criteria provided, conflicting classifications (1 of 4 stars). 2 submissions from 2 submitters: Uncertain significance (1); Likely benign (1). Last evaluated 2023-03-23.

Conditions:
Hereditary cancer-predisposing syndrome. Also called: Tumor predisposition; Hereditary Cancer Syndrome; Hereditary neoplastic syndrome; Neoplastic Syndromes, Hereditary. Identifiers: Orphanet 140162, MedGen C0027672, MeSH D009386, MONDO:0015356.
Hereditary breast ovarian cancer syndrome. Also called: Hereditary breast and ovarian cancer; Hereditary breast and ovarian cancer syndrome; Breast and ovarian cancer; BRCA1- and BRCA2-Associated Hereditary Breast and Ovarian Cancer; Hereditary breast and/or ovarian cancer syndrome; Hereditary breast and ovarian cancer syndrome (HBOC). Identifiers: Orphanet 145, MedGen C0677776, MeSH D061325, MONDO:0003582. Disease mechanism: loss of function.

Submissions (2):

University of Washington Department of Laboratory Medicine, University of Washington
Classification: Likely benign for Hereditary cancer-predisposing syndrome. Last evaluated: 2023-03-23. Review status: criteria provided, single submitter. Criteria: Dines et al. (Genet Med. 2020). Collection method: curation. Allele origin: germline.
Comment: Missense variant in a coldspot region where missense variants are very unlikely to be pathogenic (PMID:31911673).

BRCA1 coldspot (exon 11 using historical exon numbering). Reclassification based on statistical prior probability

Labcorp Genetics (formerly Invitae), Labcorp
Classification: Uncertain significance for Hereditary breast ovarian cancer syndrome. Last evaluated: 2022-05-03. Review status: criteria provided, single submitter. Criteria: Invitae Variant Classification Sherloc (09022015). Collection method: clinical testing. Allele origin: germline.
Comment: This variant has not been reported in the literature in individuals affected with BRCA1-related conditions. In summary, the available evidence is currently insufficient to determine the role of this variant in disease. Therefore, it has been classified as a Variant of Uncertain Significance. Advanced modeling of protein sequence and biophysical properties (such as structural, functional, and spatial information, amino acid conservation, physicochemical variation, residue mobility, and thermodynamic stability) performed at Invitae indicates that this missense variant is not expected to disrupt BRCA1 protein function. This variant is not present in population databases (gnomAD no frequency). This sequence change replaces histidine, which is basic and polar, with glutamine, which is neutral and polar, at codon 1141 of the BRCA1 protein (p.His1141Gln).

NM_007294.4(BRCA1):c.3423T>A (p.His1141Gln)

Genes: BRCA1 (BRCA1 DNA repair associated; minus strand), LOC126862571 (BRD4-independent group 4 enhancer GRCh37_chr17:41243136-41244335; plus strand). Cytogenetic location: 17q21.31.
Variant type: single nucleotide variant.
Coding change: c.3423T>A on transcript NM_007294.4 (MANE Select); coding-DNA position 3423, T replaced by A.
Protein change: p.His1141Gln; replaces histidine 1141 with glutamine.
Molecular consequence: missense variant. On other transcripts: intron variant (135).
Genome position (GRCh38, 1-based): chr17:43,092,108, A>T on the plus strand (T>A on the coding strand, the complement: BRCA1 is on the minus strand). VCF-style: chr17-43092108-A-T. GRCh37 (hg19) VCF-style: chr17-41244125-A-T.
Other names: c.587-1076T>A (NM_001408476.1, NM_001408474.1); c.710-1076T>A (NM_001408409.1, NM_001408414.1, NM_001408411.1 and 2 more transcripts); c.575-1076T>A (NM_001408493.1, NM_001408490.1, NM_001408491.1); c.455-1076T>A (NM_001408502.1); c.578-1076T>A (NM_001408489.1, NM_001408479.1, NM_001408482.1 and 9 more transcripts); c.662-1076T>A (NM_001408445.1, NM_001408432.1, NM_001408450.1 and 6 more transcripts); c.668-1076T>A (NM_001408431.1, NM_001408424.1, NM_001408421.1); c.785-1076T>A (NM_001408407.1, NM_001408402.1, NM_001408473.1 and 13 more transcripts); and 41 more; short protein forms H1141Q, H1094Q, H1070Q, H1100Q, H1140Q, H845Q, H1029Q, H1071Q.
Identifiers: ClinVar variation 1444399 (VCV001444399.9), dbSNP rs863224419, ClinGen allele CA10595133.